The following is an entry in ClinVar:

ClinVar aggregate classification (germline): Uncertain significance (1 of 4 stars; one submission).

Allele frequency attached by ClinVar (database versions not stated): gnomAD exomes below 0.00001; ExAC 0.00001.

Submission:

GeneDx
Classification: Uncertain significance. Last evaluated: 2020-10-14. Review status: criteria provided, single submitter. Criteria: GeneDx Variant Classification Process June 2021. Collection method: clinical testing. Allele origin: germline. Affected: yes.
Comment: Not observed at a significant frequency in large population cohorts (Lek et al., 2016); In silico analysis supports that this missense variant has a deleterious effect on protein structure/function; Has not been previously published as pathogenic or benign to our knowledge; This variant is associated with the following publications: (PMID: 28402605)

NM_025243.4(SLC19A3):c.113A>G (p.Tyr38Cys)

Gene: SLC19A3 (solute carrier family 19 member 3; minus strand). Cytogenetic location: 2q36.3.
Variant type: single nucleotide variant.
Coding change: c.113A>G on transcript NM_025243.4 (MANE Select); coding-DNA position 113, A replaced by G.
Protein change: p.Tyr38Cys; replaces tyrosine 38 with cysteine.
Molecular consequence: missense variant. On other transcripts: 5 prime UTR variant (2).
Genome position (GRCh38, 1-based): chr2:227,702,206, T>C on the plus strand (A>G on the coding strand, the complement: SLC19A3 is on the minus strand). VCF-style: chr2-227702206-T-C. GRCh37 (hg19) VCF-style: chr2-228566922-T-C.
Other names: c.113A>G, p.Tyr38Cys (NM_001371411.1, NM_001371412.1); c.-96A>G (NM_001371413.1, NM_001371414.1); short protein forms Y38C.
Identifiers: ClinVar variation 1313272 (VCV001313272.2), dbSNP rs766975844, ClinGen allele CA2149405.